The following is an entry in ClinVar:

NM_000238.4(KCNH2):c.2550C>T (p.Asp850=)

Gene: KCNH2 (potassium voltage-gated channel subfamily H member 2; minus strand). Cytogenetic location: 7q36.1.
Variant type: single nucleotide variant.
Coding change: c.2550C>T on transcript NM_000238.4 (MANE Select); coding-DNA position 2550, C replaced by T.
Protein change: p.Asp850=; no amino-acid change (aspartic acid 850 retained).
Molecular consequence: synonymous variant. On other transcripts: non-coding transcript variant (2).
Genome position (GRCh38, 1-based): chr7:150,948,898, G>A on the plus strand (C>T on the coding strand, the complement: KCNH2 is on the minus strand). VCF-style: chr7-150948898-G-A. GRCh37 (hg19) VCF-style: chr7-150645986-G-A.
Other names: c.2262C>T, p.Asp754= (NM_001406753.1); c.1530C>T, p.Asp510= (NM_172057.3).
Identifiers: ClinVar variation 3072380 (VCV003072380.3), dbSNP rs2486014995, ClinGen allele CA458645133.

ClinVar aggregate classification (germline): Likely benign. Review status: criteria provided, multiple submitters, no conflicts (2 of 4 stars). 2 submissions from 2 submitters: Likely benign (2). Last evaluated 2024-04-10.

Conditions:
Long QT syndrome (LQTS). Identifiers: MedGen C0023976, MeSH D008133, MONDO:0002442. Disease mechanism: loss of function. Inheritance: Various modes of inheritance.

Submissions (2):

Labcorp Genetics (formerly Invitae), Labcorp
Classification: Likely benign for Long QT syndrome. Last evaluated: 2024-04-10. Review status: criteria provided, single submitter. Criteria: Invitae Variant Classification Sherloc (09022015). Collection method: clinical testing. Allele origin: germline.

All of Us Research Program, National Institutes of Health
Classification: Likely benign for Long QT syndrome. Last evaluated: 2023-07-10. Review status: criteria provided, single submitter. Criteria: ACMG Guidelines, 2015. Collection method: clinical testing. Allele origin: germline. Inheritance: Autosomal dominant inheritance. Observed: 1 variant allele, 1 heterozygote.
Comment: This study involves interpretation of variants in research participants for the purpose of population health screening. Participant phenotype was not available at the time of variant classification. Additional details can be found in publication PMID: 35346344, PMCID: PMC8962531